The following is an entry in ClinVar:

ClinVar aggregate classification (germline): Uncertain significance (1 of 4 stars; one submission).

Conditions:
Bethlem myopathy 1A. Also called: Bethlem myopathy 1; MYOPATHY, BENIGN CONGENITAL, WITH CONTRACTURES; Bethlem Muscular Dystrophy. Identifiers: Orphanet 610, MedGen CN029274, MONDO:0024530, OMIM 158810.

gnomAD v4.1: 1 of 1,613,920 alleles (0.000062%); no homozygotes.

Submission:

Labcorp Genetics (formerly Invitae), Labcorp
Classification: Uncertain significance for Bethlem myopathy 1A. Last evaluated: 2024-05-22. Review status: criteria provided, single submitter. Criteria: Invitae Variant Classification Sherloc (09022015). Collection method: clinical testing. Allele origin: germline.
Comment: This sequence change falls in intron 3 of the COL6A3 gene. It does not directly change the encoded amino acid sequence of the COL6A3 protein. It affects a nucleotide within the consensus splice site. This variant is not present in population databases (gnomAD no frequency). This variant has not been reported in the literature in individuals affected with COL6A3-related conditions. Variants that disrupt the consensus splice site are a relatively common cause of aberrant splicing (PMID: 17576681, 9536098). Algorithms developed to predict the effect of sequence changes on RNA splicing suggest that this variant is not likely to affect RNA splicing. In summary, the available evidence is currently insufficient to determine the role of this variant in disease. Therefore, it has been classified as a Variant of Uncertain Significance.

Literature cited by the submitters: PubMed 17576681; PubMed 9536098.

NM_004369.4(COL6A3):c.709+5T>C

Gene: COL6A3 (collagen type VI alpha 3 chain; minus strand). Cytogenetic location: 2q37.3.
Variant type: single nucleotide variant.
Coding change: c.709+5T>C on transcript NM_004369.4 (MANE Select); 5 bases into the intron after coding-DNA position 709, T replaced by C.
Molecular consequence: intron variant.
Genome position (GRCh38, 1-based): chr2:237,394,582, A>G on the plus strand (T>C on the coding strand, the complement: COL6A3 is on the minus strand). VCF-style: chr2-237394582-A-G. GRCh37 (hg19) VCF-style: chr2-238303225-A-G.
Other names: c.91+2145T>C (NM_057166.5, NM_057167.4, NM_057164.5 and 1 more transcripts).
Identifiers: ClinVar variation 3611569 (VCV003611569.2).